The following is an entry in ClinVar:

ClinVar aggregate classification (germline): Pathogenic (1 of 4 stars; one submission).

Conditions:
Granulomatous disease, chronic, autosomal recessive, cytochrome b-positive, type 2. Also called: GRANULOMATOUS DISEASE, CHRONIC, AUTOSOMAL RECESSIVE, 2; Chronic granulomatous disease due to deficiency of NCF-2; GRANULOMATOUS DISEASE, CHRONIC, DUE TO NCF2 DEFICIENCY; Chronic Granulomatous Disease, Autosomal Recessive, Cytochrome b-Positive, Type II; CGD, AUTOSOMAL RECESSIVE CYTOCHROME b-POSITIVE, TYPE II. Identifiers: Orphanet 379, MedGen C1856245, MONDO:0009310, OMIM 233710.

Submission:

Labcorp Genetics (formerly Invitae), Labcorp
Classification: Pathogenic for Granulomatous disease, chronic, autosomal recessive, cytochrome b-positive, type 2. Last evaluated: 2023-10-22. Review status: criteria provided, single submitter. Criteria: Invitae Variant Classification Sherloc (09022015). Collection method: clinical testing. Allele origin: germline.
Comment: This sequence change creates a premature translational stop signal (p.Met79Serfs*20) in the NCF2 gene. It is expected to result in an absent or disrupted protein product. Loss-of-function variants in NCF2 are known to be pathogenic (PMID: 10498624, 20167518). This variant is not present in population databases (gnomAD no frequency). This variant has not been reported in the literature in individuals affected with NCF2-related conditions. For these reasons, this variant has been classified as Pathogenic.

Literature cited by the submitters: PubMed 10498624; PubMed 20167518.

NM_000433.4(NCF2):c.236del (p.Met79fs)

Gene: NCF2 (neutrophil cytosolic factor 2; minus strand). Cytogenetic location: 1q25.3.
Variant type: Deletion.
Coding change: c.236del on transcript NM_000433.4 (MANE Select); coding-DNA position 236, one base deleted (T; older notation c.236delT).
Protein change: p.Met79fs; shifts the reading frame from methionine 79.
Molecular consequence: frameshift variant.
Genome position (GRCh38, 1-based): chr1:183,586,916, A deleted on the plus strand (T on the coding strand, the reverse complement: NCF2 is on the minus strand). VCF-style (leftmost placement, unchanged base first): chr1-183586915-CA-C. GRCh37 (hg19) VCF-style: chr1-183556050-CA-C.
Other names: c.236del, p.Met79fs (NM_001127651.3, NM_001190789.2, NM_001190794.2 and 1 more transcripts); short protein forms M79fs.
Identifiers: ClinVar variation 2770552 (VCV002770552.3), dbSNP rs2528021760, ClinGen allele CA2697554758.